The following is an entry in ClinVar:

ClinVar aggregate classification (germline): Pathogenic (1 of 4 stars; one submission).

Conditions:
Citrullinemia. Identifiers: Orphanet 187, MedGen C0175683, MONDO:0015991.

Submission:

Labcorp Genetics (formerly Invitae), Labcorp
Classification: Pathogenic for Citrullinemia. Last evaluated: 2022-08-20. Review status: criteria provided, single submitter. Criteria: Invitae Variant Classification Sherloc (09022015). Collection method: clinical testing. Allele origin: germline.
Comment: This variant is a gross deletion of the genomic region encompassing exon(s) 6 of the ASS1 gene. This variant would be expected to be in-frame, preserving the integrity of the reading frame. A similar copy number variant has been observed in individuals with citrullinemia (PMID: 2615645; Invitae). This variant disrupts the p.Asp124 amino acid residue in ASS1. Other variant(s) that disrupt this residue have been determined to be pathogenic (PMID: 16475226, 27287393). This suggests that this residue is clinically significant, and that variants that disrupt this residue are likely to be disease-causing. For these reasons, this variant has been classified as Pathogenic.

Literature cited by the submitters: PubMed 2615645; PubMed 16475226; PubMed 27287393.

NC_000009.11:g.(?_133339488)_(133339564_?)del

Gene: ASS1 (argininosuccinate synthase 1; plus strand). Cytogenetic location: 9q34.11.
Variant type: Deletion.
Identifiers: ClinVar variation 2422210 (VCV002422210.8).